The following is an entry in ClinVar:

NM_001042681.2(RERE):c.240G>A (p.Pro80=)

Gene: RERE (arginine-glutamic acid dipeptide repeats; minus strand). Cytogenetic location: 1p36.23.
Variant type: single nucleotide variant.
Coding change: c.240G>A on transcript NM_001042681.2 (MANE Select); coding-DNA position 240, G replaced by A.
Protein change: p.Pro80=; no amino-acid change (proline 80 retained).
Molecular consequence: synonymous variant.
Genome position (GRCh38, 1-based): chr1:8,656,058, C>T on the plus strand (G>A on the coding strand, the complement: RERE is on the minus strand). VCF-style: chr1-8656058-C-T. GRCh37 (hg19) VCF-style: chr1-8716117-C-T.
Other names: c.240G>A, p.Pro80= (NM_012102.4).
Identifiers: ClinVar variation 730927 (VCV000730927.37), dbSNP rs144721444, ClinGen allele CA572136.

ClinVar aggregate classification (germline): Likely benign. Review status: criteria provided, multiple submitters, no conflicts (2 of 4 stars). 4 submissions from 4 submitters: Likely benign (4). Last evaluated 2026-01-26.

Allele frequency attached by ClinVar (database versions not stated): 1000 Genomes Project 30x 0.00016; 1000 Genomes Project 0.00020; gnomAD exomes 0.00050 and 0.00077; gnomAD 0.00052 and 0.00054; ESP Exome Variant Server 0.00054; TOPMed 0.00054; ExAC 0.00055.
gnomAD v4.1: 837 of 1,613,300 alleles (0.052%); highest among the groups gnomAD compares: Middle Eastern, 0.46%; 2 homozygotes.

Submissions (4):

Labcorp Genetics (formerly Invitae), Labcorp
Classification: Likely benign. Last evaluated: 2026-01-26. Review status: criteria provided, single submitter. Criteria: Invitae Variant Classification Sherloc (09022015). Collection method: clinical testing. Allele origin: germline.

CeGaT Center for Human Genetics Tuebingen
Classification: Likely benign. Last evaluated: 2025-08-01. Review status: criteria provided, single submitter. Criteria: CeGaT Center For Human Genetics Tuebingen Variant Classification Criteria Version 2. Collection method: clinical testing. Allele origin: germline. Affected: yes. Observed: 6 variant alleles.
Comment: RERE: BP4, BP7

Blueprint Genetics
Classification: Likely benign. Last evaluated: 2024-11-06. Review status: criteria provided, single submitter. Criteria: ACMG Guidelines, 2015. Collection method: clinical testing. Allele origin: germline.

Breakthrough Genomics
Classification: Likely benign. Review status: criteria provided, single submitter. Criteria: ACMG Guidelines, 2015. Collection method: not provided. Allele origin: germline. Inheritance: Autosomal dominant inheritance. Affected: yes.